The following is an entry in ClinVar:

NM_024664.4(PPCS):c.441A>G (p.Val147=)

Genes: CCDC30 (coiled-coil domain containing 30; plus strand), PPCS (phosphopantothenoylcysteine synthetase; plus strand). Cytogenetic location: 1p34.2.
Variant type: single nucleotide variant.
Coding change: c.441A>G on transcript NM_024664.4 (MANE Select); coding-DNA position 441, A replaced by G.
Protein change: p.Val147=; no amino-acid change (valine 147 retained).
Molecular consequence: synonymous variant. On other transcripts: 5 prime UTR variant (1), intron variant (6).
Genome position (GRCh38, 1-based): chr1:42,457,006, A>G. VCF-style: chr1-42457006-A-G. GRCh37 (hg19) VCF-style: chr1-42922677-A-G.
Other names: p.Val147=; c.-252A>G (NM_001287510.2); c.441A>G, p.Val147= (NM_001287511.2); c.-983-241A>G (NM_001355226.2); c.-327-241A>G (NM_001287507.1); c.-11-241A>G (NM_001287506.1, NM_001287508.2, NM_001077447.3 and 1 more transcripts).
Identifiers: ClinVar variation 1548611 (VCV001548611.10), dbSNP rs781284043, ClinGen allele CA799975.
Genomic context (GRCh38, chr1:42,457,006, plus strand): 5'-TTTTGCTGAGGCTCTGAGGAGCTACCAGGAGGCTGCGGCTGCAGGCACCTTCCTGGCAGT[A>G]GAGTTCACCACTTTGGCGGACTATTTGCATCTGTTGCAGGCTGCGGCCCAGGCACTCAAT-3'
Protein context (NP_078940.2, residues 137-157): EAAAAGTFLA[Val147=]EFTTLADYLH

ClinVar aggregate classification (germline): Likely benign. Review status: criteria provided, multiple submitters, no conflicts (2 of 4 stars). 4 submissions from 4 submitters: Likely benign (4). Last evaluated 2025-12-08.

Allele frequency attached by ClinVar (database versions not stated): ExAC 0.00001; gnomAD 0.00002; gnomAD exomes 0.00002 and 0.00001; TOPMed 0.00002.
gnomAD v4.1: 15 of 1,602,026 alleles (0.00094%); highest among the groups gnomAD compares: Non-Finnish European, 0.0013%; no homozygotes.

Submissions (4):

Labcorp Genetics (formerly Invitae), Labcorp
Classification: Likely benign. Last evaluated: 2025-12-08. Review status: criteria provided, single submitter. Criteria: Invitae Variant Classification Sherloc (09022015). Collection method: clinical testing. Allele origin: germline.

Mayo Clinic Laboratories, Mayo Clinic
Classification: Likely benign. Last evaluated: 2025-09-25. Review status: criteria provided, single submitter. Criteria: ACMG Guidelines, 2015. Collection method: clinical testing. Allele origin: germline. Observed: 2 variant alleles.
Comment: BP4, BP7, PM2_supporting

Molecular Diagnostic Laboratory for Inherited Cardiovascular Disease, Montreal Heart Institute
Classification: Likely benign. Last evaluated: 2025-04-09. Review status: criteria provided, single submitter. Criteria: ACMG Guidelines, 2015. Collection method: clinical testing. Allele origin: germline. Affected: no.

Blueprint Genetics
Classification: Likely benign. Last evaluated: 2022-11-14. Review status: criteria provided, single submitter. Criteria: ACMG Guidelines, 2015. Collection method: clinical testing. Allele origin: germline.